The following is an entry in ClinVar:

ClinVar aggregate classification (germline): Conflicting classifications of pathogenicity. Review status: criteria provided, conflicting classifications (1 of 4 stars). 4 submissions from 4 submitters: Uncertain significance (2); Benign (1). 1 of the submissions does not count toward it. Last evaluated 2026-03-01.

Conditions:
TBCK-related disorder. Also called: TBCK-related disorders; TBCK-related condition.

Allele frequency attached by ClinVar (database versions not stated): gnomAD exomes 0.00036 and 0.00058; ExAC 0.00040; gnomAD 0.00044 and 0.00045; TOPMed 0.00044; ESP Exome Variant Server 0.00046.
gnomAD v4.1: 610 of 1,613,972 alleles (0.038%); highest among the groups gnomAD compares: Non-Finnish European, 0.025%; no homozygotes.

Submissions (4):

CeGaT Center for Human Genetics Tuebingen
Classification: Uncertain significance. Last evaluated: 2026-03-01. Review status: criteria provided, single submitter. Criteria: CeGaT Center For Human Genetics Tuebingen Variant Classification Criteria Version 2. Collection method: clinical testing. Allele origin: germline. Affected: yes. Observed: 3 variant alleles.

Labcorp Genetics (formerly Invitae), Labcorp
Classification: Benign. Last evaluated: 2025-12-30. Review status: criteria provided, single submitter. Criteria: Invitae Variant Classification Sherloc (09022015). Collection method: clinical testing. Allele origin: germline.

Blueprint Genetics
Classification: Uncertain significance. Last evaluated: 2024-10-17. Review status: criteria provided, single submitter. Criteria: ACMG Guidelines, 2015. Collection method: clinical testing. Allele origin: germline.

PreventionGenetics, part of Exact Sciences
Classification: Benign for TBCK-related condition. Last evaluated: 2020-07-20. Review status: no assertion criteria provided. Collection method: clinical testing. Allele origin: germline. Not counted in ClinVar's aggregate classification.
Comment: This variant is classified as benign based on ACMG/AMP sequence variant interpretation guidelines (Richards et al. 2015 PMID: 25741868, with internal and published modifications).

NM_001163435.3(TBCK):c.2468C>T (p.Thr823Ile)

Gene: TBCK (TBC1 domain containing kinase; minus strand). Cytogenetic location: 4q24.
Variant type: single nucleotide variant.
Coding change: c.2468C>T on transcript NM_001163435.3 (MANE Select); coding-DNA position 2468, C replaced by T.
Protein change: p.Thr823Ile; replaces threonine 823 with isoleucine.
Molecular consequence: missense variant.
Genome position (GRCh38, 1-based): chr4:106,095,585, G>A on the plus strand (C>T on the coding strand, the complement: TBCK is on the minus strand). VCF-style: chr4-106095585-G-A. GRCh37 (hg19) VCF-style: chr4-107016742-G-A.
Other names: c.2468C>T, p.Thr823Ile (NM_001163436.4); c.2351C>T, p.Thr784Ile (NM_001163437.3); c.1952C>T, p.Thr651Ile (NM_001290768.2); c.2279C>T, p.Thr760Ile (NM_033115.5); c.2468C>T (NM_001163435.2); short protein forms T651I, T760I, T784I, T823I.
Identifiers: ClinVar variation 1298968 (VCV001298968.42), dbSNP rs61733982, ClinGen allele CA3034695.
Genomic context (GRCh38, chr4:106,095,585, plus strand): 5'-TTCCCTTTGAAGTTCTGGAGCATAGCAGTGTAAGGGCCCTGGGTAAGCTCCCCTTCTGCA[G>A]TGAAGGCAGCACTGAATGGAATGTTGATGCTTCCTGAAATGTGACCACGAATAAAGCTGA-3'
Protein context (NP_001156907.2, residues 813-833): SINIPFSAAF[Thr823Ile]AEGELTQGPY